The following is an entry in ClinVar:

ClinVar aggregate classification (germline): Uncertain significance. Review status: criteria provided, multiple submitters, no conflicts (2 of 4 stars). 2 submissions from 2 submitters: Uncertain significance (2). Last evaluated 2025-01-24.

Conditions:
Chédiak-Higashi syndrome (CHS). Also called: Chediak-Higashi Syndrome. Identifiers: Orphanet 167, MedGen C0007965, MONDO:0008963, OMIM 214500.
LYST-related disorder. Also called: LYST-related condition.

Allele frequency attached by ClinVar (database versions not stated): TOPMed below 0.00001; ExAC 0.00001; gnomAD 0.00001; gnomAD exomes 0.00001.
gnomAD v4.1: 13 of 1,614,050 alleles (0.00081%); highest among the groups gnomAD compares: East Asian, 0.016%; no homozygotes.

Submissions (2):

PreventionGenetics, part of Exact Sciences
Classification: Uncertain significance for LYST-related condition. Last evaluated: 2025-01-24. Review status: criteria provided, single submitter. Criteria: ACMG Guidelines, 2015. Collection method: clinical testing. Allele origin: germline.
Comment: The LYST c.10285A>G variant is predicted to result in the amino acid substitution p.Ile3429Val. To our knowledge, this variant has not been reported in the literature. This variant is reported in 0.045% of alleles in individuals of East Asian descent in gnomAD. At this time, the clinical significance of this variant is uncertain due to the absence of conclusive functional and genetic evidence.

Labcorp Genetics (formerly Invitae), Labcorp
Classification: Uncertain significance for Chédiak-Higashi syndrome. Last evaluated: 2022-09-01. Review status: criteria provided, single submitter. Criteria: Invitae Variant Classification Sherloc (09022015). Collection method: clinical testing. Allele origin: germline.
Comment: This sequence change replaces isoleucine, which is neutral and non-polar, with valine, which is neutral and non-polar, at codon 3429 of the LYST protein (p.Ile3429Val). This variant is present in population databases (rs769142815, gnomAD 0.04%). This variant has not been reported in the literature in individuals affected with LYST-related conditions. ClinVar contains an entry for this variant (Variation ID: 1395819). Algorithms developed to predict the effect of missense changes on protein structure and function (SIFT, PolyPhen-2, Align-GVGD) all suggest that this variant is likely to be tolerated. In summary, the available evidence is currently insufficient to determine the role of this variant in disease. Therefore, it has been classified as a Variant of Uncertain Significance.

NM_000081.4(LYST):c.10285A>G (p.Ile3429Val)

Gene: LYST (lysosomal trafficking regulator; minus strand). Cytogenetic location: 1q42.3.
Variant type: single nucleotide variant.
Coding change: c.10285A>G on transcript NM_000081.4 (MANE Select); coding-DNA position 10285, A replaced by G.
Protein change: p.Ile3429Val; replaces isoleucine 3429 with valine.
Molecular consequence: missense variant.
Genome position (GRCh38, 1-based): chr1:235,702,836, T>C on the plus strand (A>G on the coding strand, the complement: LYST is on the minus strand). VCF-style: chr1-235702836-T-C. GRCh37 (hg19) VCF-style: chr1-235866136-T-C.
Other names: c.10285A>G (NM_000081.3); c.10285A>G, p.Ile3429Val (NM_001301365.1); short protein forms I3429V.
Identifiers: ClinVar variation 1395819 (VCV001395819.4), dbSNP rs769142815, ClinGen allele CA1465405.